The following is an entry in ClinVar:

ClinVar aggregate classification (germline): Pathogenic (1 of 4 stars; one submission).

Conditions:
Duchenne muscular dystrophy (DMD). Also called: MUSCULAR DYSTROPHY, PSEUDOHYPERTROPHIC PROGRESSIVE, DUCHENNE TYPE; Duchenne Muscular Dystrophy (DMD). Identifiers: Orphanet 98896, MedGen C0013264, MONDO:0010679, OMIM 310200.

Submission:

Labcorp Genetics (formerly Invitae), Labcorp
Classification: Pathogenic for Duchenne muscular dystrophy. Last evaluated: 2018-03-28. Review status: criteria provided, single submitter. Criteria: Invitae Variant Classification Sherloc (09022015). Collection method: clinical testing. Allele origin: germline.
Comment: A similar copy number gain of exon 53 has been reported in individuals affected with DMD-related muscular dystrophy¬†(PMID: 16030524, 16917894, 19937601, 28610567). For these reasons, this variant has been classified as Pathogenic. Loss-of-function variants in DMD are known to be pathogenic (PMID: 16770791, 25007885). This variant results in a copy number gain of the genomic region encompassing exons 53-57 of the DMD gene. While the exact position of this variant cannot be determined from this data, sub-genic copy number gains are generally in tandem (PMID: 25640679) and may result in an absent or disrupted protein product.

Literature cited by the submitters: PubMed 16030524; PubMed 16917894; PubMed 19937601; PubMed 28610567; PubMed 16770791; PubMed 25007885; PubMed 25640679.

NC_000023.10:g.(?_31514885)_(31697723_?)dup

Gene: DMD (dystrophin; minus strand). Cytogenetic location: Xp21.2-21.1.
Variant type: Duplication.
Identifiers: ClinVar variation 583837 (VCV000583837.8).